The following is an entry in ClinVar:

NC_000021.8:g.(?_47407419)_(47408291_?)del

Gene: COL6A1 (collagen type VI alpha 1 chain; plus strand). Cytogenetic location: 21q22.3.
Variant type: Deletion.
Identifiers: ClinVar variation 1506272 (VCV001506272.6).

ClinVar aggregate classification (germline): Likely pathogenic (1 of 4 stars; one submission).

Conditions:
Bethlem myopathy 1A. Also called: Bethlem myopathy 1; Bethlem Muscular Dystrophy; MYOPATHY, BENIGN CONGENITAL, WITH CONTRACTURES. Identifiers: Orphanet 610, MedGen CN029274, MONDO:0024530, OMIM 158810.

Submission:

Labcorp Genetics (formerly Invitae), Labcorp
Classification: Likely pathogenic for Bethlem myopathy 1A. Last evaluated: 2021-08-18. Review status: criteria provided, single submitter. Criteria: Invitae Variant Classification Sherloc (09022015). Collection method: clinical testing. Allele origin: germline.
Comment: This variant results in the deletion of part of exon 7 and exon 8 (c.748_805-704del) of the COL6A1 gene. Variants that disrupt the donor or acceptor splice site typically lead to a loss of protein function (PMID: 16199547), and loss-of-function variants in COL6A1 are known to be disease-causing for autosomal recessive COL6A1 conditions (PMID: 21280092, 20976770). However, certain variants affecting donor or acceptor splice sites in the triple helical domain of COL6A1 are expected to result in in-frame exon skipping and have been reported to cause autosomal dominant COL6A1-related conditions (PMID: 18366090). This variant has not been reported in the literature in individuals affected with COL6A1-related conditions. In summary, the currently available evidence indicates that the variant is pathogenic, but additional data are needed to prove that conclusively. Therefore, this variant has been classified as Likely Pathogenic.

Literature cited by the submitters: PubMed 16199547; PubMed 21280092; PubMed 20976770; PubMed 18366090.